The following is an entry in ClinVar:

ClinVar aggregate classification (germline): Uncertain significance (1 of 4 stars; one submission).

Submission:

Women's Health and Genetics/Laboratory Corporation of America, LabCorp
Classification: Uncertain significance. Last evaluated: 2025-10-21. Review status: criteria provided, single submitter. Criteria: LabCorp Variant Classification Summary - May 2015. Collection method: clinical testing. Allele origin: germline.
Comment: Variant summary: ATP7B c.2563T>C (p.Ser855Pro) results in a non-conservative amino acid change in the encoded protein sequence. Algorithms developed to predict the effect of missense changes on protein structure and function all suggest that this variant is likely to be disruptive. The variant was absent in 249546 control chromosomes. The available data on variant occurrences in the general population are insufficient to allow any conclusion about variant significance. To our knowledge, no occurrence of c.2563T>C in individuals affected with ATP7B-related conditions and no experimental evidence demonstrating its impact on protein function have been reported. No submitters have cited clinical-significance assessments for this variant to ClinVar. Based on the evidence outlined above, the variant was classified as uncertain significance.

NM_000053.4(ATP7B):c.2563T>C (p.Ser855Pro)

Gene: ATP7B (ATPase copper transporting beta; minus strand). Cytogenetic location: 13q14.3.
Variant type: single nucleotide variant.
Coding change: c.2563T>C on transcript NM_000053.4 (MANE Select); coding-DNA position 2563, T replaced by C.
Protein change: p.Ser855Pro; replaces serine 855 with proline.
Molecular consequence: missense variant. On other transcripts: intron variant (1).
Genome position (GRCh38, 1-based): chr13:51,950,284, A>G on the plus strand (T>C on the coding strand, the complement: ATP7B is on the minus strand). VCF-style: chr13-51950284-A-G. GRCh37 (hg19) VCF-style: chr13-52524420-A-G.
Other names: c.2467T>C, p.Ser823Pro (NM_001406518.1, NM_001406517.1); c.2563T>C, p.Ser855Pro (NM_001406519.1, NM_001406523.1, NM_001406525.1 and 7 more transcripts); c.2419T>C, p.Ser807Pro (NM_001406520.1, NM_001406521.1, NM_001406522.1 and 1 more transcripts); c.2386T>C, p.Ser796Pro (NM_001406524.1); c.2329T>C, p.Ser777Pro (NM_001406527.1, NM_001330578.2, NM_001406528.1 and 2 more transcripts); c.2077T>C, p.Ser693Pro (NM_001005918.3, NM_001406541.1, NM_001406542.1 and 1 more transcripts); c.2230T>C, p.Ser744Pro (NM_001243182.2); c.2311T>C, p.Ser771Pro (NM_001330579.2, NM_001406531.1, NM_001406532.1 and 1 more transcripts); and 8 more; short protein forms S639P, S661P, S693P, S712P, S739P, S744P, S745P, S771P.
Identifiers: ClinVar variation 4687130 (VCV004687130.2).